The following is an entry in ClinVar:

ClinVar aggregate classification (germline): Likely benign. Review status: criteria provided, multiple submitters, no conflicts (2 of 4 stars). 3 submissions from 3 submitters: Likely benign (2). 1 of the submissions does not count toward it. Last evaluated 2025-04-11.

Conditions:
Inborn genetic diseases. Identifiers: MedGen C0950123, MeSH D030342.

Allele frequency attached by ClinVar (database versions not stated): gnomAD exomes 0.00004 and 0.00012; ExAC 0.00005; TOPMed 0.00007; gnomAD 0.00011 and 0.00014; ESP Exome Variant Server 0.00015.
gnomAD v4.1: 182 of 1,613,914 alleles (0.011%); highest among the groups gnomAD compares: Non-Finnish European, 0.014%; no homozygotes.

Submissions (3):

Ambry Genetics
Classification: Likely benign for Inborn genetic diseases. Last evaluated: 2025-04-11. Review status: criteria provided, single submitter. Criteria: Ambry Variant Classification Scheme 2023. Collection method: clinical testing. Allele origin: germline.

Labcorp Genetics (formerly Invitae), Labcorp
Classification: Likely benign. Last evaluated: 2024-10-16. Review status: criteria provided, single submitter. Criteria: Invitae Variant Classification Sherloc (09022015). Collection method: clinical testing. Allele origin: germline.

Department of Pathology and Laboratory Medicine, Sinai Health System
Classification: Likely benign. Review status: no assertion criteria provided. Collection method: clinical testing. Allele origin: unknown. Affected: yes. Study: The Canadian Open Genetics Repository (COGR). Not counted in ClinVar's aggregate classification.
Comment: The CYFIP2 p.Arg1083Gln variant was not identified in the literature nor was it identified in ClinVar. The variant was identified in dbSNP (ID: rs200428535) and in control databases in 11 of 280470 chromosomes at a frequency of 0.00003922 (Genome Aggregation Database March 6, 2019, v2.1.1). The variant was observed in the following populations: European (non-Finnish) in 9 of 128302 chromosomes (freq: 0.00007), African in 1 of 24218 chromosomes (freq: 0.000041) and Latino in 1 of 35344 chromosomes (freq: 0.000028), but was not observed in the Ashkenazi Jewish, East Asian, European (Finnish), Other, or South Asian populations. This frequency is greater than expected for rare, early-onset autosomal dominant early infantile epileptic encephalopathy 65. The p.Arg1083 residue is conserved in mammals and computational analyses (PolyPhen-2, SIFT, AlignGVGD, BLOSUM, MutationTaster) do not suggest a high likelihood of impact to the protein. The variant occurs outside of the splicing consensus sequence and 3 of 4 in silico or computational prediction software programs (SpliceSiteFinder, MaxEntScan, NNSPLICE, GeneSplicer) predict a greater than 10% difference in splicing. However, this has not been confirmed by RNA analysis and is not predictive enough to assume pathogenicity. In summary, based on the above information the clinical significance of this variant cannot be determined with certainty at this time although we would lean towards a more benign role for this variant. This variant is classified as likely benign.

NM_001037333.3(CYFIP2):c.3326G>A (p.Arg1109Gln)

Genes: CYFIP2 (cytoplasmic FMR1 interacting protein 2; plus strand), NIPAL4-DT (NIPAL4 divergent transcript; minus strand). Cytogenetic location: 5q33.3.
Variant type: single nucleotide variant.
Coding change: c.3326G>A on transcript NM_001037333.3 (MANE Select); coding-DNA position 3326, G replaced by A.
Protein change: p.Arg1109Gln; replaces arginine 1109 with glutamine.
Molecular consequence: missense variant.
Genome position (GRCh38, 1-based): chr5:157,389,307, G>A. VCF-style: chr5-157389307-G-A. GRCh37 (hg19) VCF-style: chr5-156816315-G-A.
Other names: c.3326G>A (NM_001037333.1); c.3248G>A, p.Arg1083Gln (NM_001291721.2); c.3401G>A, p.Arg1134Gln (NM_001291722.2); c.3326G>A, p.Arg1109Gln (NM_014376.4); short protein forms R1083Q, R1109Q, R1134Q.
Identifiers: ClinVar variation 1049539 (VCV001049539.10), dbSNP rs200428535, ClinGen allele CA3534332.